The following is an entry in ClinVar:

NM_004995.4(MMP14):c.797C>T (p.Thr266Met)

Gene: MMP14 (matrix metallopeptidase 14; plus strand). Cytogenetic location: 14q11.2.
Variant type: single nucleotide variant.
Coding change: c.797C>T on transcript NM_004995.4 (MANE Select); coding-DNA position 797, C replaced by T.
Protein change: p.Thr266Met; replaces threonine 266 with methionine.
Molecular consequence: missense variant.
Genome position (GRCh38, 1-based): chr14:22,843,365, C>T. VCF-style: chr14-22843365-C-T. GRCh37 (hg19) VCF-style: chr14-23312574-C-T.
Other names: short protein forms T266M.
Identifiers: ClinVar variation 2998089 (VCV002998089.3), dbSNP rs374632825, ClinGen allele CA257746370.

ClinVar aggregate classification (germline): Uncertain significance (1 of 4 stars; one submission).

Allele frequency attached by ClinVar (database versions not stated): TOPMed 0.00001; ESP Exome Variant Server 0.00008; gnomAD 0.00003.

Submission:

Labcorp Genetics (formerly Invitae), Labcorp
Classification: Uncertain significance. Last evaluated: 2025-01-27. Review status: criteria provided, single submitter. Criteria: Invitae Variant Classification Sherloc (09022015). Collection method: clinical testing. Allele origin: germline.
Comment: This sequence change replaces threonine, which is neutral and polar, with methionine, which is neutral and non-polar, at codon 266 of the MMP14 protein (p.Thr266Met). This variant is present in population databases (rs374632825, gnomAD 0.003%). This variant has not been reported in the literature in individuals affected with MMP14-related conditions. ClinVar contains an entry for this variant (Variation ID: 2998089). An algorithm developed to predict the effect of missense changes on protein structure and function (PolyPhen-2) suggests that this variant is likely to be disruptive. In summary, the available evidence is currently insufficient to determine the role of this variant in disease. Therefore, it has been classified as a Variant of Uncertain Significance.